The following is an entry in ClinVar:

NM_004360.5(CDH1):c.466T>G (p.Trp156Gly)

Gene: CDH1 (cadherin 1; plus strand). Cytogenetic location: 16q22.1.
Variant type: single nucleotide variant.
Coding change: c.466T>G on transcript NM_004360.5 (MANE Select); coding-DNA position 466, T replaced by G.
Protein change: p.Trp156Gly; replaces tryptophan 156 with glycine.
Molecular consequence: missense variant. On other transcripts: 5 prime UTR variant (2).
Genome position (GRCh38, 1-based): chr16:68,808,502, T>G. VCF-style: chr16-68808502-T-G. GRCh37 (hg19) VCF-style: chr16-68842405-T-G.
Other names: c.466T>G, p.Trp156Gly (NM_001317184.2); c.-1150T>G (NM_001317185.2); c.-1354T>G (NM_001317186.2); short protein forms W156G.
Identifiers: ClinVar variation 2577010 (VCV002577010.1), dbSNP rs2543914728, ClinGen allele CA396457679.

ClinVar aggregate classification (germline): Uncertain significance (1 of 4 stars; one submission).

Conditions:
Blepharocheilodontic syndrome 1 (BCDS1). Identifiers: Orphanet 1997, MedGen C4551988, MONDO:0054740, OMIM 119580.

Submission:

Diagnostics Services (NGS), CSIR - Centre For Cellular And Molecular Biology
Classification: Uncertain significance for Blepharocheilodontic syndrome 1. Last evaluated: 2023-08-16. Review status: criteria provided, single submitter. Criteria: ACMG Guidelines, 2015. Collection method: clinical testing. Allele origin: unknown. Affected: yes. Observed: 1 variant allele, 1 heterozygote.
Comment: The c.466T>G variant is not present in publicly available population databases like 1000 Genomes, ExAC, EVS, gnomAD, Indian Exome Database or our in-house exome database. The variant has neither been published in the literature for CDH1-related conditions nor reported to clinical databases like ClinVar, Human Genome Mutation Database (HGMD) or OMIM, in any affected individuals. In-silico pathogenicity programs like SIFT, PolyPhen-2, MutationTaster2, CADD etc predicted this variant to be likely deleterious, however these predictions were not confirmed by published functional studies.